The following is an entry in ClinVar:

NM_024494.3(WNT2B):c.158C>G (p.Pro53Arg)

Genes: WNT2B (Wnt family member 2B; plus strand), LOC122094899 (Sharpr-MPRA regulatory region 8072; plus strand). Cytogenetic location: 1p13.2.
Variant type: single nucleotide variant.
Coding change: c.158C>G on transcript NM_024494.3 (MANE Select); coding-DNA position 158, C replaced by G.
Protein change: p.Pro53Arg; replaces proline 53 with arginine.
Molecular consequence: missense variant. On other transcripts: intron variant (2).
Genome position (GRCh38, 1-based): chr1:112,509,420, C>G. VCF-style: chr1-112509420-C-G. GRCh37 (hg19) VCF-style: chr1-113052042-C-G.
Other names: c.126-5454C>G (NM_004185.4); c.-94-5454C>G (NM_001291880.1); short protein forms P53R.
Identifiers: ClinVar variation 2127316 (VCV002127316.4), dbSNP rs2526476201, ClinGen allele CA341651456.

ClinVar aggregate classification (germline): Uncertain significance (1 of 4 stars; one submission).

Submission:

Labcorp Genetics (formerly Invitae), Labcorp
Classification: Uncertain significance. Last evaluated: 2022-04-17. Review status: criteria provided, single submitter. Criteria: Invitae Variant Classification Sherloc (09022015). Collection method: clinical testing. Allele origin: germline.
Comment: This variant is not present in population databases (gnomAD no frequency). In summary, the available evidence is currently insufficient to determine the role of this variant in disease. Therefore, it has been classified as a Variant of Uncertain Significance. Algorithms developed to predict the effect of missense changes on protein structure and function are either unavailable or do not agree on the potential impact of this missense change (SIFT: "Deleterious"; PolyPhen-2: "Probably Damaging"; Align-GVGD: "Class C0"). This variant has not been reported in the literature in individuals affected with WNT2B-related conditions. This sequence change replaces proline, which is neutral and non-polar, with arginine, which is basic and polar, at codon 53 of the WNT2B protein (p.Pro53Arg).